The following is an entry in ClinVar:

NM_152415.3(VPS37A):c.526G>T (p.Ala176Ser)

Gene: VPS37A (VPS37A subunit of ESCRT-I; plus strand). Cytogenetic location: 8p22.
Variant type: single nucleotide variant.
Coding change: c.526G>T on transcript NM_152415.3 (MANE Select); coding-DNA position 526, G replaced by T.
Protein change: p.Ala176Ser; replaces alanine 176 with serine.
Molecular consequence: missense variant.
Genome position (GRCh38, 1-based): chr8:17,274,842, G>T. VCF-style: chr8-17274842-G-T. GRCh37 (hg19) VCF-style: chr8-17132351-G-T.
Other names: c.451G>T, p.Ala151Ser (NM_001145152.2); c.526G>T, p.Ala176Ser (NM_001363167.1, NM_001363173.2); c.256G>T, p.Ala86Ser (NM_001363168.1, NM_001363169.1, NM_001363170.1 and 2 more transcripts); short protein forms A176S, A151S, A86S.
Identifiers: ClinVar variation 576912 (VCV000576912.6), dbSNP rs1346953622, ClinGen allele CA370401343.

ClinVar aggregate classification (germline): Uncertain significance. Review status: criteria provided, multiple submitters, no conflicts (2 of 4 stars). 2 submissions from 2 submitters: Uncertain significance (2). Last evaluated 2024-02-12.

Conditions:
Hereditary spastic paraplegia 53. Also called: Spastic paraplegia 53, autosomal recessive. Identifiers: Orphanet 319199, MedGen C3539494, MONDO:0013962, OMIM 614898.

Allele frequency attached by ClinVar (database versions not stated): TOPMed 0.00001.
gnomAD v4.1: 3 of 1,613,884 alleles (0.00019%); highest among the groups gnomAD compares: African/African-American, 0.0027%; no homozygotes.

Submissions (2):

Ambry Genetics
Classification: Uncertain significance. Last evaluated: 2024-02-12. Review status: criteria provided, single submitter. Criteria: Ambry Variant Classification Scheme 2023. Collection method: clinical testing. Allele origin: germline.

Labcorp Genetics (formerly Invitae), Labcorp
Classification: Uncertain significance for Hereditary spastic paraplegia 53. Last evaluated: 2022-07-26. Review status: criteria provided, single submitter. Criteria: Invitae Variant Classification Sherloc (09022015). Collection method: clinical testing. Allele origin: germline.
Comment: Algorithms developed to predict the effect of missense changes on protein structure and function (SIFT, PolyPhen-2, Align-GVGD) all suggest that this variant is likely to be tolerated. In summary, the available evidence is currently insufficient to determine the role of this variant in disease. Therefore, it has been classified as a Variant of Uncertain Significance. ClinVar contains an entry for this variant (Variation ID: 576912). This variant has not been reported in the literature in individuals affected with VPS37A-related conditions. This variant is not present in population databases (gnomAD no frequency). This sequence change replaces alanine, which is neutral and non-polar, with serine, which is neutral and polar, at codon 176 of the VPS37A protein (p.Ala176Ser).